The following is an entry in ClinVar:

NM_138576.4(BCL11B):c.2622A>G (p.Lys874=)

Gene: BCL11B (BCL11 transcription factor B; minus strand). Cytogenetic location: 14q32.2.
Variant type: single nucleotide variant.
Coding change: c.2622A>G on transcript NM_138576.4 (MANE Select); coding-DNA position 2622, A replaced by G.
Protein change: p.Lys874=; no amino-acid change (lysine 874 retained).
Molecular consequence: synonymous variant.
Genome position (GRCh38, 1-based): chr14:99,174,214, T>C on the plus strand (A>G on the coding strand, the complement: BCL11B is on the minus strand). VCF-style: chr14-99174214-T-C. GRCh37 (hg19) VCF-style: chr14-99640551-T-C.
Other names: c.2619A>G, p.Lys873= (NM_001282237.2); c.2406A>G, p.Lys802= (NM_001282238.2); c.2409A>G, p.Lys803= (NM_022898.3).
Identifiers: ClinVar variation 1601056 (VCV001601056.13), dbSNP rs201198198, ClinGen allele CA7339472.

ClinVar aggregate classification (germline): Benign/Likely benign. Review status: criteria provided, multiple submitters, no conflicts (2 of 4 stars). 2 submissions from 2 submitters: Benign (1); Likely benign (1). Last evaluated 2026-06-01.

Allele frequency attached by ClinVar (database versions not stated): gnomAD exomes 0.00002 and 0.00012; gnomAD 0.00003; TOPMed 0.00007; ExAC 0.00011; 1000 Genomes Project 30x 0.00016; 1000 Genomes Project 0.00020.
gnomAD v4.1: 39 of 1,613,760 alleles (0.0024%); highest among the groups gnomAD compares: Admixed American, 0.048%; no homozygotes.

Submissions (2):

CeGaT Center for Human Genetics Tuebingen
Classification: Likely benign. Last evaluated: 2026-06-01. Review status: criteria provided, single submitter. Criteria: CeGaT Center For Human Genetics Tuebingen Variant Classification Criteria Version 2. Collection method: clinical testing. Allele origin: germline. Affected: yes. Observed: 2 variant alleles.
Comment: BCL11B: BP4, BP7

Labcorp Genetics (formerly Invitae), Labcorp
Classification: Benign. Last evaluated: 2025-12-08. Review status: criteria provided, single submitter. Criteria: Invitae Variant Classification Sherloc (09022015). Collection method: clinical testing. Allele origin: germline.